The following is an entry in ClinVar:

NM_000218.3(KCNQ1):c.937A>T (p.Ile313Phe)

Gene: KCNQ1 (potassium voltage-gated channel subfamily Q member 1; plus strand). Cytogenetic location: 11p15.5.
Variant type: single nucleotide variant.
Coding change: c.937A>T on transcript NM_000218.3 (MANE Select); coding-DNA position 937, A replaced by T.
Protein change: p.Ile313Phe; replaces isoleucine 313 with phenylalanine.
Molecular consequence: missense variant.
Genome position (GRCh38, 1-based): chr11:2,583,450, A>T. VCF-style: chr11-2583450-A-T. GRCh37 (hg19) VCF-style: chr11-2604680-A-T.
Other names: c.937A>T, p.Ile313Phe (NM_001406836.1); c.667A>T, p.Ile223Phe (NM_001406837.1); c.493A>T, p.Ile165Phe (NM_001406838.1); c.556A>T, p.Ile186Phe (NM_181798.2); short protein forms I313F, I186F, I223F, I165F.
Identifiers: ClinVar variation 664353 (VCV000664353.12), dbSNP rs1589965249, ClinGen allele CA379132972.

ClinVar aggregate classification (germline): Conflicting classifications of pathogenicity. Review status: criteria provided, conflicting classifications (1 of 4 stars). 3 submissions from 3 submitters: Likely pathogenic (1); Uncertain significance (2). Last evaluated 2025-07-03.

Conditions:
Long QT syndrome (LQTS). Identifiers: MedGen C0023976, MeSH D008133, MONDO:0002442. Disease mechanism: loss of function. Inheritance: Various modes of inheritance.
Cardiovascular phenotype. Identifiers: MedGen CN230736.

Submissions (3):

Labcorp Genetics (formerly Invitae), Labcorp
Classification: Uncertain significance for Long QT syndrome. Last evaluated: 2025-07-03. Review status: criteria provided, single submitter. Criteria: Invitae Variant Classification Sherloc (09022015). Collection method: clinical testing. Allele origin: germline.
Comment: This sequence change replaces isoleucine, which is neutral and non-polar, with phenylalanine, which is neutral and non-polar, at codon 313 of the KCNQ1 protein (p.Ile313Phe). This variant is not present in population databases (gnomAD no frequency). This missense change has been observed in individual(s) with clinical features of long QT syndrome (internal data). ClinVar contains an entry for this variant (Variation ID: 664353). Invitae Evidence Modeling of protein sequence and biophysical properties (such as structural, functional, and spatial information, amino acid conservation, physicochemical variation, residue mobility, and thermodynamic stability) has been performed for this missense variant. However, the output from this modeling did not meet the statistical confidence thresholds required to predict the impact of this variant on KCNQ1 protein function. In summary, the available evidence is currently insufficient to determine the role of this variant in disease. Therefore, it has been classified as a Variant of Uncertain Significance.

Ambry Genetics
Classification: Likely pathogenic for Cardiovascular phenotype. Last evaluated: 2025-05-14. Review status: criteria provided, single submitter. Criteria: Ambry Variant Classification Scheme 2023. Collection method: clinical testing. Allele origin: germline.
Comment: The p.I313F variant (also known as c.937A>T), located in coding exon 7 of the KCNQ1 gene, results from an A to T substitution at nucleotide position 937. The isoleucine at codon 313 is replaced by phenylalanine, an amino acid with highly similar properties. This variant was reported in individual(s) with features consistent with KCNQ1-related long QT syndrome (Ambry internal data; external communication). Based on internal structural analysis, this variant is more disruptive than known pathogenic variants (Sun J et al. Cell. 2020 Jan;180(2):340-347.e9). This amino acid position is well conserved in available vertebrate species. In addition, this alteration is predicted to be deleterious by in silico analysis. This variant is considered to be rare based on population cohorts in the Genome Aggregation Database (gnomAD). Based on the majority of available evidence to date, this variant is likely to be pathogenic.

GeneDx
Classification: Uncertain significance. Last evaluated: 2022-10-11. Review status: criteria provided, single submitter. Criteria: GeneDx Variant Classification Process June 2021. Collection method: clinical testing. Allele origin: germline. Affected: yes.
Comment: Not observed at significant frequency in large population cohorts (gnomAD); In silico analysis supports that this missense variant has a deleterious effect on protein structure/function; Has not been previously published as pathogenic or benign to our knowledge

Literature cited by the submitters: PubMed 31883792 (cited by Ambry Genetics).